The following is an entry in ClinVar:

NM_004984.4(KIF5A):c.802G>A (p.Ala268Thr)

Gene: KIF5A (kinesin family member 5A; plus strand). Cytogenetic location: 12q13.3.
Variant type: single nucleotide variant.
Coding change: c.802G>A on transcript NM_004984.4 (MANE Select); coding-DNA position 802, G replaced by A.
Protein change: p.Ala268Thr; replaces alanine 268 with threonine.
Molecular consequence: missense variant.
Genome position (GRCh38, 1-based): chr12:57,569,050, G>A. VCF-style: chr12-57569050-G-A. GRCh37 (hg19) VCF-style: chr12-57962833-G-A.
Other names: c.535G>A, p.Ala179Thr (NM_001354705.2); short protein forms A179T, A268T.
Identifiers: ClinVar variation 854222 (VCV000854222.11), dbSNP rs139015012, ClinGen allele CA6652677.

ClinVar aggregate classification (germline): Conflicting classifications of pathogenicity. Review status: criteria provided, conflicting classifications (1 of 4 stars). 2 submissions from 2 submitters: Likely pathogenic (1); Uncertain significance (1). Last evaluated 2025-08-29.

Conditions:
Spastic paraplegia. Identifiers: MedGen C0037772, HP:0001258.
Hereditary spastic paraplegia 10 (SPG10). Also called: SPASTIC PARAPLEGIA 10, AUTOSOMAL DOMINANT; SPASTIC PARAPLEGIA 10 WITH OR WITHOUT PERIPHERAL NEUROPATHY; SPASTIC PARAPLEGIA 10 WITH PERIPHERAL NEUROPATHY. Identifiers: Orphanet 100991, MedGen C1858712, MONDO:0011408, OMIM 604187.

Allele frequency attached by ClinVar (database versions not stated): gnomAD 0.00001 and 0.00003; gnomAD exomes 0.00001; TOPMed 0.00001; ExAC 0.00002; ESP Exome Variant Server 0.00008; 1000 Genomes Project 0.00040; 1000 Genomes Project 30x 0.00062.
gnomAD v4.1: 18 of 1,613,598 alleles (0.0011%); highest among the groups gnomAD compares: East Asian, 0.0067%; no homozygotes.

Submissions (2):

Labcorp Genetics (formerly Invitae), Labcorp
Classification: Likely pathogenic for Spastic paraplegia. Last evaluated: 2025-08-29. Review status: criteria provided, single submitter. Criteria: Invitae Variant Classification Sherloc (09022015). Collection method: clinical testing. Allele origin: germline.
Comment: This sequence change replaces alanine, which is neutral and non-polar, with threonine, which is neutral and polar, at codon 268 of the KIF5A protein (p.Ala268Thr). This variant is present in population databases (rs139015012, gnomAD 0.006%). This missense change has been observed in individual(s) with clinical features of KIF5A-related conditions (PMID: 31612903). It has also been observed to segregate with disease in related individuals. ClinVar contains an entry for this variant (Variation ID: 854222). Invitae Evidence Modeling of protein sequence and biophysical properties (such as structural, functional, and spatial information, amino acid conservation, physicochemical variation, residue mobility, and thermodynamic stability) has been performed for this missense variant. However, the output from this modeling did not meet the statistical confidence thresholds required to predict the impact of this variant on KIF5A protein function. In summary, the currently available evidence indicates that the variant is pathogenic, but additional data are needed to prove that conclusively. Therefore, this variant has been classified as Likely Pathogenic.

3billion
Classification: Uncertain significance for Hereditary spastic paraplegia 10. Last evaluated: 2024-11-27. Review status: criteria provided, single submitter. Criteria: ACMG Guidelines, 2015. Collection method: clinical testing. Allele origin: germline. Affected: yes.
Comment: The variant is observed at an extremely low frequency in the gnomAD v4.1.0 dataset (total allele frequency: 0.001%). Predicted Consequence/Location: Missense variant In silico tool predictions suggest damaging effect of the variant on gene or gene product [REVEL: 0.67 (>=0.6, sensitivity 0.68 and specificity 0.92); 3Cnet: 0.93 (>=0.6, sensitivity 0.72 and precision 0.9)]. The same nucleotide change resulting in the same amino acid change has been previously reported to be associated with KIF5A-related disorder (ClinVar ID: VCV000854222 /PMID: 31612903). The variant has been reported to co-segregate with the disease in at least 3 similarly affected relatives/individuals in the same family or similarly affected unrelated families (PMID: 31612903). However, the evidence of pathogenicity is insufficient at this time. Therefore, this variant is classified as VUS according to the recommendation of ACMG/AMP guideline.

Literature cited by the submitters: PubMed 31612903 (cited by Labcorp Genetics (formerly Invitae), Labcorp and 3billion).